The following is an entry in ClinVar:

NM_000552.5(VWF):c.6798+11G>A

Gene: VWF (von Willebrand factor; minus strand). Cytogenetic location: 12p13.31.
Variant type: single nucleotide variant.
Coding change: c.6798+11G>A on transcript NM_000552.5 (MANE Select); 11 bases into the intron after coding-DNA position 6798, G replaced by A.
Molecular consequence: intron variant.
Genome position (GRCh38, 1-based): chr12:5,991,808, C>T on the plus strand (G>A on the coding strand, the complement: VWF is on the minus strand). VCF-style: chr12-5991808-C-T. GRCh37 (hg19) VCF-style: chr12-6100974-C-T.
Identifiers: ClinVar variation 2581489 (VCV002581489.4), dbSNP rs139999346, ClinGen allele CA6401913.
Genomic context (GRCh38, chr12:5,991,808, plus strand): 5'-TGGTGAACATATCTCCCTTTTGACCCAAGAGGGAAGCAGCCCCATGGGAAGTGAAAGGCC[C>T]AGGCTCCTACCTGGTGCTGGACTCCATCCTCACCAATGCACTGAGTGCAGGCCTCTTCAG-3'

ClinVar aggregate classification (germline): Benign/Likely benign. Review status: criteria provided, multiple submitters, no conflicts (2 of 4 stars). 3 submissions from 3 submitters: Benign (1); Likely benign (2). Last evaluated 2024-11-01.

Allele frequency attached by ClinVar (database versions not stated): gnomAD exomes 0.00026; ExAC 0.00050; 1000 Genomes Project 0.00100; 1000 Genomes Project 30x 0.00109; gnomAD 0.00153; ESP Exome Variant Server 0.00154; TOPMed 0.00185.
gnomAD v4.1: 632 of 1,613,610 alleles (0.039%); highest among the groups gnomAD compares: African/African-American, 0.48%; 1 homozygote.

Submissions (3):

ARUP Laboratories, Molecular Genetics and Genomics, ARUP Laboratories
Classification: Likely benign. Last evaluated: 2024-11-01. Review status: criteria provided, single submitter. Criteria: ARUP Molecular Germline Variant Investigation Process 2024. Collection method: clinical testing. Allele origin: germline.

Blueprint Genetics
Classification: Likely benign. Last evaluated: 2024-10-14. Review status: criteria provided, single submitter. Criteria: ACMG Guidelines, 2015. Collection method: clinical testing. Allele origin: germline.

Women's Health and Genetics/Laboratory Corporation of America, LabCorp
Classification: Benign. Last evaluated: 2024-04-02. Review status: criteria provided, single submitter. Criteria: LabCorp Variant Classification Summary - May 2015. Collection method: clinical testing. Allele origin: germline.
Comment: Variant summary: VWF c.6798+11G>A alters a non-conserved nucleotide located at a position not widely known to affect splicing. Consensus agreement among computation tools predict no significant impact on normal splicing. However, these predictions have yet to be confirmed by functional studies. The variant allele was found at a frequency of 0.00051 in 251146 control chromosomes, predominantly at a frequency of 0.0049 within the African or African-American subpopulation in the gnomAD database, including 1 homozygote. The variant, c.6798+11G>A, has been reported in the literature in at least one individual affected with thrombocytopenia, however a co-occurrence with a pathogenic variant (MYH9 c.5797C>T, p.Arg1933*) could explain the phenotype, providing supporting evidence for a benign role (Nicchia_2015, no PMID). This report does not provide unequivocal conclusions about association of the variant with Von Willebrand Disease. To our knowledge, no experimental evidence demonstrating an impact on protein function has been reported. ClinVar contains an entry for this variant (Variation ID: 2581489). Based on the evidence outlined above, the variant was classified as benign.